The following is an entry in ClinVar:

NM_007294.4(BRCA1):c.161A>T (p.Gln54Leu)

Gene: BRCA1 (BRCA1 DNA repair associated; minus strand). Cytogenetic location: 17q21.31.
Variant type: single nucleotide variant.
Coding change: c.161A>T on transcript NM_007294.4 (MANE Select); coding-DNA position 161, A replaced by T.
Protein change: p.Gln54Leu; replaces glutamine 54 with leucine.
Molecular consequence: missense variant. On other transcripts: non-coding transcript variant (1).
Genome position (GRCh38, 1-based): chr17:43,106,507, T>A on the plus strand (A>T on the coding strand, the complement: BRCA1 is on the minus strand). VCF-style: chr17-43106507-T-A. GRCh37 (hg19) VCF-style: chr17-41258524-T-A.
Other names: c.-28A>T (NM_001407571.1, NM_001407853.1, NM_001407879.1 and 58 more transcripts); c.161A>T, p.Gln54Leu (NM_001407581.1, NM_001407582.1, NM_001407583.1 and 168 more transcripts); c.20A>T, p.Gln7Leu (NM_001407692.1, NM_001407694.1, NM_001407695.1 and 99 more transcripts); short protein forms Q7L, Q54L.
Identifiers: ClinVar variation 868236 (VCV000868236.3), dbSNP rs397507189, ClinGen allele CA10601834.

Conditions:
Breast-ovarian cancer, familial, susceptibility to, 1 (BROVCA1). Also called: BRCA1 Hereditary Breast and Ovarian Cancer; OVARIAN CANCER, SUSCEPTIBILITY TO. Identifiers: Orphanet 145, MedGen C2676676, MONDO:0011450, OMIM 604370. Disease mechanism: loss of function.

Submission:

Brotman Baty Institute, University of Washington
No classification provided (evidence only). Condition: Breast-ovarian cancer, familial 1. Review status: no classification provided. Collection method: in vitro. Allele origin: not applicable. Functional consequence: functionally_normal.
ClinVar note: "not provided" was previously submitted as the classification for the variant. However, the classification appeared to be based only on an observation of functional data so it was converted to no classification on 2025-07-30.